The following is an entry in ClinVar:

ClinVar aggregate classification (germline): Uncertain significance. Review status: criteria provided, multiple submitters, no conflicts (2 of 4 stars). 2 submissions from 2 submitters: Uncertain significance (2). Last evaluated 2025-08-21.

Allele frequency attached by ClinVar (database versions not stated): ExAC 0.00003; TOPMed 0.00057; 1000 Genomes Project 0.00040; 1000 Genomes Project 30x 0.00047; gnomAD 0.00050.
gnomAD v4.1: 125 of 1,614,016 alleles (0.0077%); highest among the groups gnomAD compares: Admixed American, 0.2%; no homozygotes.

Submissions (2):

Ambry Genetics
Classification: Uncertain significance. Last evaluated: 2025-08-21. Review status: criteria provided, single submitter. Criteria: Ambry Variant Classification Scheme 2023. Collection method: clinical testing. Allele origin: germline.

Labcorp Genetics (formerly Invitae), Labcorp
Classification: Uncertain significance. Last evaluated: 2023-12-15. Review status: criteria provided, single submitter. Criteria: Invitae Variant Classification Sherloc (09022015). Collection method: clinical testing. Allele origin: germline.
Comment: This sequence change replaces serine, which is neutral and polar, with glycine, which is neutral and non-polar, at codon 210 of the NUP133 protein (p.Ser210Gly). This variant is present in population databases (rs185351603, gnomAD 0.09%), and has an allele count higher than expected for a pathogenic variant. This variant has not been reported in the literature in individuals affected with NUP133-related conditions. ClinVar contains an entry for this variant (Variation ID: 2043552). An algorithm developed to predict the effect of missense changes on protein structure and function (PolyPhen-2) suggests that this variant is likely to be tolerated. In summary, the available evidence is currently insufficient to determine the role of this variant in disease. Therefore, it has been classified as a Variant of Uncertain Significance.

NM_018230.3(NUP133):c.628A>G (p.Ser210Gly)

Gene: NUP133 (nucleoporin 133; minus strand). Cytogenetic location: 1q42.13.
Variant type: single nucleotide variant.
Coding change: c.628A>G on transcript NM_018230.3 (MANE Select); coding-DNA position 628, A replaced by G.
Protein change: p.Ser210Gly; replaces serine 210 with glycine.
Molecular consequence: missense variant.
Genome position (GRCh38, 1-based): chr1:229,499,704, T>C on the plus strand (A>G on the coding strand, the complement: NUP133 is on the minus strand). VCF-style: chr1-229499704-T-C. GRCh37 (hg19) VCF-style: chr1-229635451-T-C.
Other names: c.628A>G (NM_018230.2); short protein forms S210G.
Identifiers: ClinVar variation 2043552 (VCV002043552.5), dbSNP rs185351603, ClinGen allele CA1443771.